The following is an entry in ClinVar:

ClinVar aggregate classification (germline): Uncertain significance. Review status: criteria provided, single submitter (1 of 4 stars). 2 submissions from 2 submitters: Uncertain significance (1). 1 of the submissions does not count toward it. Last evaluated 2024-11-04.

Conditions:
Capillary infantile hemangioma. Also called: Hemangioma, capillary infantile, somatic; Hereditary capillary infantile hemangioma; HEMANGIOMA, HEREDITARY CAPILLARY. Identifiers: MedGen C1865871, MONDO:0011191, OMIM 602089.

Allele frequency attached by ClinVar (database versions not stated): gnomAD exomes below 0.00001; gnomAD 0.00001.
gnomAD v4.1: 6 of 1,612,742 alleles (0.00037%); highest among the groups gnomAD compares: South Asian, 0.0011%; no homozygotes.

Submissions (2):

Labcorp Genetics (formerly Invitae), Labcorp
Classification: Uncertain significance. Last evaluated: 2024-11-04. Review status: criteria provided, single submitter. Criteria: Invitae Variant Classification Sherloc (09022015). Collection method: clinical testing. Allele origin: germline.
Comment: This sequence change replaces arginine, which is basic and polar, with cysteine, which is neutral and slightly polar, at codon 1770 of the MYH9 protein (p.Arg1770Cys). This variant is present in population databases (no rsID available, gnomAD 0.003%). This variant has not been reported in the literature in individuals affected with MYH9-related conditions. ClinVar contains an entry for this variant (Variation ID: 545478). Invitae Evidence Modeling of protein sequence and biophysical properties (such as structural, functional, and spatial information, amino acid conservation, physicochemical variation, residue mobility, and thermodynamic stability) has been performed for this missense variant. However, the output from this modeling did not meet the statistical confidence thresholds required to predict the impact of this variant on MYH9 protein function. In summary, the available evidence is currently insufficient to determine the role of this variant in disease. Therefore, it has been classified as a Variant of Uncertain Significance.

Kahle Lab, Yale University
Classification: Likely pathogenic for Capillary infantile hemangioma. Last evaluated: 2018-05-04. Review status: no assertion criteria provided. Collection method: clinical testing. Allele origin: germline. Affected: yes. Observed: 1 variant allele. Not counted in ClinVar's aggregate classification.

NM_002473.6(MYH9):c.5308C>T (p.Arg1770Cys)

Gene: MYH9 (myosin heavy chain 9; minus strand). Cytogenetic location: 22q12.3.
Variant type: single nucleotide variant.
Coding change: c.5308C>T on transcript NM_002473.6 (MANE Select); coding-DNA position 5308, C replaced by T.
Protein change: p.Arg1770Cys; replaces arginine 1770 with cysteine.
Molecular consequence: missense variant.
Genome position (GRCh38, 1-based): chr22:36,285,296, G>A on the plus strand (C>T on the coding strand, the complement: MYH9 is on the minus strand). VCF-style: chr22-36285296-G-A. GRCh37 (hg19) VCF-style: chr22-36681342-G-A.
Other names: short protein forms R1770C.
Identifiers: ClinVar variation 545478 (VCV000545478.7), dbSNP rs1430793034, ClinGen allele CA411373764.